The following is an entry in ClinVar:

ClinVar aggregate classification (germline): Benign/Likely benign. Review status: criteria provided, multiple submitters, no conflicts (2 of 4 stars). 6 submissions from 6 submitters: Benign (4); Likely benign (2). Last evaluated 2026-02-01.

Conditions:
Ellis-van Creveld syndrome (EVC). Also called: EVC-Related Ellis-van Creveld Syndrome; EVC2-Related Ellis-van Creveld Syndrome; MESOECTODERMAL DYSPLASIA; Chondroectodermal dysplasia. Identifiers: Orphanet 289, MedGen C0013903, MONDO:0009162, OMIM 225500.
Curry-Hall syndrome (WAD). Also called: WEYERS ACRODENTAL DYSOSTOSIS. Identifiers: Orphanet 952, MedGen C0457013, MONDO:0008673, OMIM 193530.

Allele frequency attached by ClinVar (database versions not stated): ESP Exome Variant Server 0.00031; gnomAD exomes 0.00151 and 0.00402; gnomAD 0.00165 and 0.00215; TOPMed 0.00187; ExAC 0.00451; 1000 Genomes Project 30x 0.00703; 1000 Genomes Project 0.00759.
gnomAD v4.1: 2,575 of 1,613,874 alleles (0.16%); highest among the groups gnomAD compares: East Asian, 3.2%; 42 homozygotes.

Submissions (6):

Labcorp Genetics (formerly Invitae), Labcorp
Classification: Benign for Curry-Hall syndrome; Ellis-van Creveld syndrome. Last evaluated: 2026-02-01. Review status: criteria provided, single submitter. Criteria: Invitae Variant Classification Sherloc (09022015). Collection method: clinical testing. Allele origin: germline.

ARUP Laboratories, Molecular Genetics and Genomics, ARUP Laboratories
Classification: Benign. Last evaluated: 2025-03-17. Review status: criteria provided, single submitter. Criteria: ARUP Molecular Germline Variant Investigation Process 2024. Collection method: clinical testing. Allele origin: germline.

GeneDx
Classification: Benign. Last evaluated: 2019-01-24. Review status: criteria provided, single submitter. Criteria: GeneDx Variant Classification Process June 2021. Collection method: clinical testing. Allele origin: germline. Affected: yes.

Illumina Laboratory Services, Illumina
Classification: Benign for Ellis-van Creveld syndrome. Last evaluated: 2018-01-13. Review status: criteria provided, single submitter. Criteria: ICSL Variant Classification Criteria 13 December 2019. Collection method: clinical testing. Allele origin: germline.
Comment: This variant was observed in the ICSL laboratory as part of a predisposition screen in an ostensibly healthy population. It had not been previously curated by ICSL or reported in the Human Gene Mutation Database (HGMD: prior to June 1st, 2018), and was therefore a candidate for classification through an automated scoring system. Utilizing variant allele frequency, disease prevalence and penetrance estimates, and inheritance mode, an automated score was calculated to assess if this variant is too frequent to cause the disease. Based on the score and internal cut-off values, a variant classified as benign is not then subjected to further curation. The score for this variant resulted in a classification of benign for this disease.

Breakthrough Genomics
Classification: Likely benign. Review status: criteria provided, single submitter. Criteria: ACMG Guidelines, 2015. Collection method: not provided. Allele origin: germline. Inheritance: Autosomal recessive inheritance. Affected: yes.

PreventionGenetics, part of Exact Sciences
Classification: Likely benign. Review status: criteria provided, single submitter. Criteria: ACMG Guidelines, 2015. Collection method: clinical testing. Allele origin: germline.

NM_147127.5(EVC2):c.2487G>A (p.Glu829=)

Gene: EVC2 (EvC ciliary complex subunit 2; minus strand). Cytogenetic location: 4p16.2.
Variant type: single nucleotide variant.
Coding change: c.2487G>A on transcript NM_147127.5 (MANE Select); coding-DNA position 2487, G replaced by A.
Protein change: p.Glu829=; no amino-acid change (glutamic acid 829 retained).
Molecular consequence: synonymous variant.
Genome position (GRCh38, 1-based): chr4:5,622,551, C>T on the plus strand (G>A on the coding strand, the complement: EVC2 is on the minus strand). VCF-style: chr4-5622551-C-T. GRCh37 (hg19) VCF-style: chr4-5624278-C-T.
Other names: c.2247G>A, p.Glu749= (NM_001166136.2).
Identifiers: ClinVar variation 262612 (VCV000262612.21), dbSNP rs16837501, ClinGen allele CA2834711.